The following is an entry in ClinVar:

ClinVar aggregate classification (germline): Pathogenic (1 of 4 stars; one submission).

Submission:

GeneDx
Classification: Pathogenic. Last evaluated: 2020-05-06. Review status: criteria provided, single submitter. Criteria: GeneDx Variant Classification Process June 2021. Collection method: clinical testing. Allele origin: germline. Affected: yes.
Comment: Frameshift variant predicted to result in protein truncation or nonsense mediated decay in a gene for which loss-of-function is a known mechanism of disease; Not observed in large population cohorts (Lek et al., 2016); This variant is associated with the following publications: (PMID: 29907798)

NM_003482.4(KMT2D):c.709del (p.Glu237fs)

Gene: KMT2D (lysine methyltransferase 2D; minus strand). Cytogenetic location: 12q13.12.
Variant type: Deletion.
Coding change: c.709del on transcript NM_003482.4 (MANE Select); coding-DNA position 709, one base deleted (G; older notation c.709delG).
Protein change: p.Glu237fs; shifts the reading frame from glutamic acid 237.
Molecular consequence: frameshift variant.
Genome position (GRCh38, 1-based): chr12:49,053,606, C deleted on the plus strand (G on the coding strand, the reverse complement: KMT2D is on the minus strand); the first of 4 consecutive C bases (chr12:49,053,606-49,053,609); deleting any one gives the same sequence. VCF-style (leftmost placement, unchanged base first): chr12-49053605-TC-T. GRCh37 (hg19) VCF-style: chr12-49447388-TC-T.
Other names: c.709delG (NM_003482.3); short protein forms E237fs.
Identifiers: ClinVar variation 419107 (VCV000419107.4), dbSNP rs1064793649, ClinGen allele CA16619545.